The following is an entry in ClinVar:

NM_013247.5(HTRA2):c.416C>A (p.Pro139Gln)

Gene: HTRA2 (HtrA serine peptidase 2; plus strand). Cytogenetic location: 2p13.1.
Variant type: single nucleotide variant.
Coding change: c.416C>A on transcript NM_013247.5 (MANE Select); coding-DNA position 416, C replaced by A.
Protein change: p.Pro139Gln; replaces proline 139 with glutamine.
Molecular consequence: missense variant. On other transcripts: non-coding transcript variant (1).
Genome position (GRCh38, 1-based): chr2:74,530,422, C>A. VCF-style: chr2-74530422-C-A. GRCh37 (hg19) VCF-style: chr2-74757549-C-A.
Other names: c.416C>A, p.Pro139Gln (NM_001321727.1, NM_001321728.1, NM_145074.2); short protein forms P139Q.
Identifiers: ClinVar variation 2085877 (VCV002085877.4), dbSNP rs1263484761, ClinGen allele CA347378254.

ClinVar aggregate classification (germline): Uncertain significance (1 of 4 stars; one submission).

Submission:

Labcorp Genetics (formerly Invitae), Labcorp
Classification: Uncertain significance. Last evaluated: 2025-10-02. Review status: criteria provided, single submitter. Criteria: Invitae Variant Classification Sherloc (09022015). Collection method: clinical testing. Allele origin: germline.
Comment: This sequence change replaces proline, which is neutral and non-polar, with glutamine, which is neutral and polar, at codon 139 of the HTRA2 protein (p.Pro139Gln). The frequency data for this variant in the population databases is considered unreliable, as metrics indicate poor data quality at this position in the gnomAD database. This variant has not been reported in the literature in individuals affected with HTRA2-related conditions. ClinVar contains an entry for this variant (Variation ID: 2085877). Invitae Evidence Modeling of protein sequence and biophysical properties (such as structural, functional, and spatial information, amino acid conservation, physicochemical variation, residue mobility, and thermodynamic stability) indicates that this missense variant is not expected to disrupt HTRA2 protein function with a negative predictive value of 80%. In summary, the available evidence is currently insufficient to determine the role of this variant in disease. Therefore, it has been classified as a Variant of Uncertain Significance.